The following is an entry in ClinVar:

ClinVar aggregate classification (germline): Conflicting classifications of pathogenicity. Review status: criteria provided, conflicting classifications (1 of 4 stars). 4 submissions from 4 submitters: Uncertain significance (1); Likely benign (2). 1 of the submissions does not count toward it. Last evaluated 2024-02-23.

Conditions:
PYGM-related disorder. Also called: PYGM-related condition.
Glycogen storage disease, type V (GSD5). Also called: MCARDLE DISEASE; MUSCLE GLYCOGEN PHOSPHORYLASE DEFICIENCY; MYOPHOSPHORYLASE DEFICIENCY; PYGM DEFICIENCY; McArdle type glycogen storage disease. Identifiers: Orphanet 368, MedGen C0017924, MONDO:0009293, OMIM 232600.

Allele frequency attached by ClinVar (database versions not stated): ExAC 0.00002; gnomAD exomes 0.00002; TOPMed 0.00005; ESP Exome Variant Server 0.00008.

Submissions (4):

Labcorp Genetics (formerly Invitae), Labcorp
Classification: Likely benign for Glycogen storage disease, type V. Last evaluated: 2024-02-23. Review status: criteria provided, single submitter. Criteria: Invitae Variant Classification Sherloc (09022015). Collection method: clinical testing. Allele origin: germline.

Revvity Omics, Revvity
Classification: Uncertain significance for Glycogen storage disease, type V. Last evaluated: 2020-04-05. Review status: criteria provided, single submitter. Criteria: ACMG Guidelines, 2015. Collection method: clinical testing. Allele origin: germline.

Blueprint Genetics
Classification: Likely benign. Last evaluated: 2019-07-16. Review status: criteria provided, single submitter. Criteria: ACMG Guidelines, 2015. Collection method: clinical testing. Allele origin: germline.

PreventionGenetics, part of Exact Sciences
Classification: Likely benign for PYGM-related condition. Last evaluated: 2019-06-06. Review status: no assertion criteria provided. Collection method: clinical testing. Allele origin: germline. Not counted in ClinVar's aggregate classification.
Comment: This variant is classified as likely benign based on ACMG/AMP sequence variant interpretation guidelines (Richards et al. 2015 PMID: 25741868, with internal and published modifications).

NM_005609.4(PYGM):c.1881C>T (p.Ile627=)

Gene: PYGM (glycogen phosphorylase, muscle associated; minus strand). Cytogenetic location: 11q13.1.
Variant type: single nucleotide variant.
Coding change: c.1881C>T on transcript NM_005609.4 (MANE Select); coding-DNA position 1881, C replaced by T.
Protein change: p.Ile627=; no amino-acid change (isoleucine 627 retained).
Molecular consequence: synonymous variant.
Genome position (GRCh38, 1-based): chr11:64,751,413, G>A on the plus strand (C>T on the coding strand, the complement: PYGM is on the minus strand). VCF-style: chr11-64751413-G-A. GRCh37 (hg19) VCF-style: chr11-64518885-G-A.
Other names: c.1617C>T, p.Ile539= (NM_001164716.1); c.1881C>T (NM_005609.3).
Identifiers: ClinVar variation 1127536 (VCV001127536.14), dbSNP rs369361532, ClinGen allele CA6079686.